The following is an entry in ClinVar:

ClinVar aggregate classification (germline): Uncertain significance (1 of 4 stars; one submission).

Conditions:
Candidiasis, familial, 9 (CANDF9). Identifiers: Orphanet 1334, MedGen C4225324, MONDO:0014642, OMIM 616445.

Allele frequency attached by ClinVar (database versions not stated): gnomAD exomes 0.00001.
gnomAD v4.1: 11 of 1,613,960 alleles (0.00068%); highest among the groups gnomAD compares: Admixed American, 0.0033%; no homozygotes.

Submission:

Labcorp Genetics (formerly Invitae), Labcorp
Classification: Uncertain significance for Candidiasis, familial, 9. Last evaluated: 2021-05-31. Review status: criteria provided, single submitter. Criteria: Invitae Variant Classification Sherloc (09022015). Collection method: clinical testing. Allele origin: germline.
Comment: This sequence change replaces alanine with valine at codon 525 of the IL17RC protein (p.Ala525Val). The alanine residue is moderately conserved and there is a small physicochemical difference between alanine and valine. In summary, the available evidence is currently insufficient to determine the role of this variant in disease. Therefore, it has been classified as a Variant of Uncertain Significance. Algorithms developed to predict the effect of missense changes on protein structure and function output the following: SIFT: "Deleterious"; PolyPhen-2: "Benign"; Align-GVGD: "Class C0". The valine amino acid residue is found in multiple mammalian species, suggesting that this missense change does not adversely affect protein function. These predictions have not been confirmed by published functional studies and their clinical significance is uncertain. This variant has not been reported in the literature in individuals with IL17RC-related conditions. This variant is not present in population databases (ExAC no frequency).

NM_153460.4(IL17RC):c.1361C>T (p.Ala454Val)

Gene: IL17RC (interleukin 17 receptor C; plus strand). Cytogenetic location: 3p25.3.
Variant type: single nucleotide variant.
Coding change: c.1361C>T on transcript NM_153460.4 (MANE Select); coding-DNA position 1361, C replaced by T.
Protein change: p.Ala454Val; replaces alanine 454 with valine.
Molecular consequence: missense variant. On other transcripts: non-coding transcript variant (1).
Genome position (GRCh38, 1-based): chr3:9,930,917, C>T. VCF-style: chr3-9930917-C-T. GRCh37 (hg19) VCF-style: chr3-9972601-C-T.
Other names: c.1361C>T, p.Ala454Val (NM_001203263.2); c.1310C>T, p.Ala437Val (NM_001203264.2); c.1265C>T, p.Ala422Val (NM_001203265.2); c.1322C>T, p.Ala441Val (NM_001367278.1); c.1241C>T, p.Ala414Val (NM_001367279.1); c.1316C>T, p.Ala439Val (NM_001367280.1, NM_032732.6); c.1574C>T, p.Ala525Val (NM_153461.4); short protein forms A437V, A454V, A422V, A441V, A525V, A414V, A439V.
Identifiers: ClinVar variation 1523770 (VCV001523770.8), dbSNP rs1317174871, ClinGen allele CA351701182.